The following is an entry in ClinVar:

ClinVar aggregate classification (germline): Uncertain significance (1 of 4 stars; one submission).

Submission:

CeGaT Center for Human Genetics Tuebingen
Classification: Uncertain significance. Last evaluated: 2025-03-01. Review status: criteria provided, single submitter. Criteria: CeGaT Center For Human Genetics Tuebingen Variant Classification Criteria Version 2. Collection method: clinical testing. Allele origin: germline. Affected: yes. Observed: 1 variant allele.
Comment: LTBP4: PM2

NM_001042545.2(LTBP4):c.440A>G (p.His147Arg)

Gene: LTBP4 (latent transforming growth factor beta binding protein 4; plus strand). Cytogenetic location: 19q13.2.
Variant type: single nucleotide variant.
Coding change: c.440A>G on transcript NM_001042545.2 (MANE Select); coding-DNA position 440, A replaced by G.
Protein change: p.His147Arg; replaces histidine 147 with arginine.
Molecular consequence: missense variant.
Genome position (GRCh38, 1-based): chr19:40,605,224, A>G. VCF-style: chr19-40605224-A-G. GRCh37 (hg19) VCF-style: chr19-41111130-A-G.
Other names: c.641A>G, p.His214Arg (NM_001042544.1); c.530A>G, p.His177Arg (NM_003573.2); short protein forms H147R, H177R, H214R.
Identifiers: ClinVar variation 3778612 (VCV003778612.7).